The following is an entry in ClinVar:

ClinVar aggregate classification (germline): Pathogenic (1 of 4 stars; one submission).

Conditions:
Familial cancer of breast. Also called: Hereditary breast cancer; BREAST CANCER, FAMILIAL; hereditary breast carcinoma. Identifiers: Orphanet 227535, MedGen C0346153, MONDO:0016419, OMIM 114480. Disease mechanism: loss of function.

Submission:

Myriad Genetics, Inc.
Classification: Pathogenic for Familial cancer of breast. Last evaluated: 2023-09-07. Review status: criteria provided, single submitter. Criteria: Myriad Autosomal Dominant, Autosomal Recessive and X-Linked Classification Criteria (2023). Collection method: clinical testing. Allele origin: unknown.
Comment: This variant is considered pathogenic. This variant creates a frameshift predicted to result in premature protein truncation.

NM_024675.4(PALB2):c.758_761delinsGAT (p.Leu253fs)

Gene: PALB2 (partner and localizer of BRCA2; minus strand). Cytogenetic location: 16p12.2.
Variant type: Indel.
Coding change: c.758_761delinsGAT on transcript NM_024675.4 (MANE Select); coding-DNA positions 758 to 761, TATC replaced by GAT.
Protein change: p.Leu253fs; shifts the reading frame from leucine 253.
Molecular consequence: frameshift variant. On other transcripts: 5 prime UTR variant (8), intron variant (3).
Genome position (GRCh38, 1-based): chr16:23,635,785-23,635,788, GATA replaced by ATC on the plus strand (TATC replaced by GAT on the coding strand, the reverse complement: PALB2 is on the minus strand). VCF-style: chr16-23635785-GATA-ATC. GRCh37 (hg19) VCF-style: chr16-23647106-GATA-ATC.
Other names: c.698_701delinsGAT, p.Leu233fs (NM_001407296.1); c.758_761delinsGAT, p.Leu253fs (NM_001407297.1, NM_001407298.1, NM_001407299.1 and 3 more transcripts); c.-128_-125delinsGAT (NM_001407304.1, NM_001407305.1, NM_001407306.1 and 5 more transcripts); c.48+5322_48+5325delinsGAT (NM_001407314.1); c.-104-5319_-104-5316delinsGAT (NM_001407313.1, NM_001407312.1); short protein forms L233fs, L253fs.
Identifiers: ClinVar variation 2674079 (VCV002674079.1), dbSNP rs2506500559, ClinGen allele CA2695197540.